The following is an entry in ClinVar:

ClinVar aggregate classification (germline): Uncertain significance (1 of 4 stars; one submission).

Submission:

Labcorp Genetics (formerly Invitae), Labcorp
Classification: Uncertain significance. Last evaluated: 2022-08-05. Review status: criteria provided, single submitter. Criteria: Invitae Variant Classification Sherloc (09022015). Collection method: clinical testing. Allele origin: germline.
Comment: This sequence change replaces valine, which is neutral and non-polar, with leucine, which is neutral and non-polar, at codon 130 of the CACNA1F protein (p.Val130Leu). This variant is not present in population databases (gnomAD no frequency). This variant has not been reported in the literature in individuals affected with CACNA1F-related conditions. Algorithms developed to predict the effect of missense changes on protein structure and function are either unavailable or do not agree on the potential impact of this missense change (SIFT: "Deleterious"; PolyPhen-2: "Possibly Damaging"; Align-GVGD: "Class C0"). Algorithms developed to predict the effect of sequence changes on RNA splicing suggest that this variant may disrupt the consensus splice site. In summary, the available evidence is currently insufficient to determine the role of this variant in disease. Therefore, it has been classified as a Variant of Uncertain Significance.

NM_001256789.3(CACNA1F):c.388G>C (p.Val130Leu)

Gene: CACNA1F (calcium voltage-gated channel subunit alpha1 F; minus strand). Cytogenetic location: Xp11.23.
Variant type: single nucleotide variant.
Coding change: c.388G>C on transcript NM_001256789.3 (MANE Select); coding-DNA position 388, G replaced by C.
Protein change: p.Val130Leu; replaces valine 130 with leucine.
Molecular consequence: missense variant.
Genome position (GRCh38, 1-based): chrX:49,230,983, C>G on the plus strand (G>C on the coding strand, the complement: CACNA1F is on the minus strand). VCF-style: chrX-49230983-C-G. GRCh37 (hg19) VCF-style: chrX-49087445-C-G.
Other names: c.193G>C, p.Val65Leu (NM_001256790.3); c.388G>C, p.Val130Leu (NM_005183.4); short protein forms V130L, V65L.
Identifiers: ClinVar variation 1715093 (VCV001715093.5), dbSNP rs782490368, ClinGen allele CA412926338.